The following is an entry in ClinVar:

NM_014889.4(PITRM1):c.2710G>A (p.Gly904Ser)

Gene: PITRM1 (pitrilysin metallopeptidase 1; minus strand). Cytogenetic location: 10p15.2.
Variant type: single nucleotide variant.
Coding change: c.2710G>A on transcript NM_014889.4 (MANE Select); coding-DNA position 2710, G replaced by A.
Protein change: p.Gly904Ser; replaces glycine 904 with serine.
Molecular consequence: missense variant. On other transcripts: non-coding transcript variant (4).
Genome position (GRCh38, 1-based): chr10:3,140,748, C>T on the plus strand (G>A on the coding strand, the complement: PITRM1 is on the minus strand). VCF-style: chr10-3140748-C-T. GRCh37 (hg19) VCF-style: chr10-3182940-C-T.
Other names: c.2713G>A, p.Gly905Ser (NM_001242307.2); c.2416G>A, p.Gly806Ser (NM_001242309.1); c.2512G>A, p.Gly838Ser (NM_001347725.2); c.1897G>A, p.Gly633Ser (NM_001347726.2); c.2095G>A, p.Gly699Ser (NM_001347727.2); c.1405G>A, p.Gly469Ser (NM_001347728.2); c.2686G>A, p.Gly896Ser (NM_001347729.1); c.2488G>A, p.Gly830Ser (NM_001347730.1); short protein forms G469S, G838S, G806S, G896S, G633S, G699S, G830S, G905S.
Identifiers: ClinVar variation 1899264 (VCV001899264.4), dbSNP rs372273001, ClinGen allele CA5387248.

ClinVar aggregate classification (germline): Uncertain significance. Review status: criteria provided, multiple submitters, no conflicts (2 of 4 stars). 2 submissions from 2 submitters: Uncertain significance (2). Last evaluated 2024-05-10.

Allele frequency attached by ClinVar (database versions not stated): TOPMed 0.00007; ESP Exome Variant Server 0.00008.
gnomAD v4.1: 86 of 1,597,166 alleles (0.0054%); highest among the groups gnomAD compares: Middle Eastern, 0.049%; no homozygotes.

Submissions (2):

Ambry Genetics
Classification: Uncertain significance. Last evaluated: 2024-05-10. Review status: criteria provided, single submitter. Criteria: Ambry Variant Classification Scheme 2023. Collection method: clinical testing. Allele origin: germline.

Labcorp Genetics (formerly Invitae), Labcorp
Classification: Uncertain significance. Last evaluated: 2022-07-21. Review status: criteria provided, single submitter. Criteria: Invitae Variant Classification Sherloc (09022015). Collection method: clinical testing. Allele origin: germline.
Comment: This sequence change replaces glycine, which is neutral and non-polar, with serine, which is neutral and polar, at codon 806 of the PITRM1 protein (p.Gly806Ser). This variant is present in population databases (rs372273001, gnomAD 0.02%). This variant has not been reported in the literature in individuals affected with PITRM1-related conditions. Algorithms developed to predict the effect of missense changes on protein structure and function are either unavailable or do not agree on the potential impact of this missense change (SIFT: "Deleterious"; PolyPhen-2: "Probably Damaging"; Align-GVGD: "Class C0"). In summary, the available evidence is currently insufficient to determine the role of this variant in disease. Therefore, it has been classified as a Variant of Uncertain Significance.